The following is an entry in ClinVar:

ClinVar aggregate classification (germline): Benign (1 of 4 stars; one submission).

Conditions:
Polydactyly of a triphalangeal thumb. Also called: Polydactyly, preaxial type II; POLYDACTYLY OF TRIPHALANGEAL THUMB; TRIPHALANGEAL THUMB-POLYDACTYLY SYNDROME. Identifiers: Orphanet 2439, Orphanet 2950, Orphanet 93336, MedGen C1868114, MONDO:0008270, OMIM 174500.

Allele frequency attached by ClinVar (database versions not stated): gnomAD 0.00011 and 0.00034; TOPMed 0.00030; 1000 Genomes Project 0.00060; 1000 Genomes Project 30x 0.00203.
gnomAD v4.1: 817 of 1,272,628 alleles (0.064%); highest among the groups gnomAD compares: East Asian, 2.4%; 14 homozygotes.

Submission:

Illumina Laboratory Services, Illumina
Classification: Benign for Polydactyly of a triphalangeal thumb. Last evaluated: 2018-01-12. Review status: criteria provided, single submitter. Criteria: ICSL Variant Classification Criteria 13 December 2019. Collection method: clinical testing. Allele origin: germline.
Comment: This variant was observed in the ICSL laboratory as part of a predisposition screen in an ostensibly healthy population. It had not been previously curated by ICSL or reported in the Human Gene Mutation Database (HGMD: prior to June 1st, 2018), and was therefore a candidate for classification through an automated scoring system. Utilizing variant allele frequency, disease prevalence and penetrance estimates, and inheritance mode, an automated score was calculated to assess if this variant is too frequent to cause the disease. Based on the score and internal cut-off values, a variant classified as benign is not then subjected to further curation. The score for this variant resulted in a classification of benign for this disease.

NM_022458.4(LMBR1):c.-91C>G

Genes: LMBR1 (limb development membrane protein 1; minus strand), LOC129999727 (ATAC-STARR-seq lymphoblastoid silent region 18853; plus strand). Cytogenetic location: 7q36.3.
Variant type: single nucleotide variant.
Coding change: c.-91C>G on transcript NM_022458.4 (MANE Select); 91 bases upstream of the start codon, C replaced by G.
Molecular consequence: 5 prime UTR variant. On other transcripts: non-coding transcript variant (2).
Genome position (GRCh38, 1-based): chr7:156,893,084, G>C on the plus strand (C>G on the coding strand, the complement: LMBR1 is on the minus strand). VCF-style: chr7-156893084-G-C. GRCh37 (hg19) VCF-style: chr7-156685778-G-C.
Other names: c.-91C>G (NM_001350953.2, NM_001363409.2, NM_001363410.2); c.-230C>G (NM_001350954.2); c.-723C>G (NM_001350955.2); c.-625C>G (NM_001350956.2, NM_001350958.2); c.-558C>G (NM_001350957.2, NM_001363411.2); c.-81C>G (NM_001363412.2); c.-743C>G (NM_001363413.2).
Identifiers: ClinVar variation 908467 (VCV000908467.4), dbSNP rs3735184, ClinGen allele CA169829464.